The following is an entry in ClinVar:

ClinVar aggregate classification (germline): Conflicting classifications of pathogenicity. Review status: criteria provided, conflicting classifications (1 of 4 stars). 3 submissions from 3 submitters: Uncertain significance (2); Likely benign (1). Last evaluated 2024-05-09.

Conditions:
Amyloidosis, hereditary systemic 1 (AMYLD1). Also called: Transthyretin Amyloidosis; AMYLOID CARDIOMYOPATHY; Familial amyloid polyneuropathy; Hereditary Transthyretin Amyloidosis; Isolated Cardiac Amyloidosis; Amyloid Cardiomyopathy, Transthyretin-related. Identifiers: Orphanet 85447, Orphanet 85451, MedGen C2751492, MONDO:0971004, OMIM 105210.
Cardiovascular phenotype. Identifiers: MedGen CN230736.

Allele frequency attached by ClinVar (database versions not stated): gnomAD exomes below 0.00001.
gnomAD v4.1: 1 of 1,614,178 alleles (0.000062%); highest among the groups gnomAD compares: Non-Finnish European, 0.000085%; no homozygotes.

Submissions (3):

Ambry Genetics
Classification: Likely benign for Cardiovascular phenotype. Last evaluated: 2024-05-09. Review status: criteria provided, single submitter. Criteria: Ambry Variant Classification Scheme 2023. Collection method: clinical testing. Allele origin: germline.

Labcorp Genetics (formerly Invitae), Labcorp
Classification: Uncertain significance for Amyloidosis, hereditary systemic 1. Last evaluated: 2023-07-25. Review status: criteria provided, single submitter. Criteria: Invitae Variant Classification Sherloc (09022015). Collection method: clinical testing. Allele origin: germline.
Comment: This variant is not present in population databases (gnomAD no frequency). This variant has not been reported in the literature in individuals affected with TTR-related conditions. ClinVar contains an entry for this variant (Variation ID: 1163612). Advanced modeling of protein sequence and biophysical properties (such as structural, functional, and spatial information, amino acid conservation, physicochemical variation, residue mobility, and thermodynamic stability) performed at Invitae indicates that this missense variant is expected to disrupt TTR protein function. In summary, the available evidence is currently insufficient to determine the role of this variant in disease. Therefore, it has been classified as a Variant of Uncertain Significance. This sequence change replaces proline, which is neutral and non-polar, with arginine, which is basic and polar, at codon 122 of the TTR protein (p.Pro122Arg).

Mayo Clinic Laboratories, Mayo Clinic
Classification: Uncertain significance. Last evaluated: 2020-04-23. Review status: criteria provided, single submitter. Criteria: ACMG Guidelines, 2015. Collection method: clinical testing. Allele origin: germline. Observed: 1 variant allele.

Literature cited by the submitters: PubMed 35903975 (cited by Ambry Genetics).

NM_000371.4(TTR):c.365C>G (p.Pro122Arg)

Gene: TTR (transthyretin; plus strand). Cytogenetic location: 18q12.1.
Variant type: single nucleotide variant.
Coding change: c.365C>G on transcript NM_000371.4 (MANE Select); coding-DNA position 365, C replaced by G.
Protein change: p.Pro122Arg; replaces proline 122 with arginine.
Molecular consequence: missense variant.
Genome position (GRCh38, 1-based): chr18:31,598,596, C>G. VCF-style: chr18-31598596-C-G. GRCh37 (hg19) VCF-style: chr18-29178559-C-G.
Other names: short protein forms P122R.
Identifiers: ClinVar variation 1163612 (VCV001163612.9), dbSNP rs11541793, ClinGen allele CA402158173.